The following is an entry in ClinVar:

NM_017491.5(WDR1):c.833T>G (p.Val278Gly)

Gene: WDR1 (WD repeat domain 1; minus strand). Cytogenetic location: 4p16.1.
Variant type: single nucleotide variant.
Coding change: c.833T>G on transcript NM_017491.5 (MANE Select); coding-DNA position 833, T replaced by G.
Protein change: p.Val278Gly; replaces valine 278 with glycine.
Molecular consequence: missense variant.
Genome position (GRCh38, 1-based): chr4:10,087,825, A>C on the plus strand (T>G on the coding strand, the complement: WDR1 is on the minus strand). VCF-style: chr4-10087825-A-C. GRCh37 (hg19) VCF-style: chr4-10089449-A-C.
Other names: c.413T>G, p.Val138Gly (NM_005112.5); short protein forms V138G, V278G.
Identifiers: ClinVar variation 1711587 (VCV001711587.30), dbSNP rs2547358201, ClinGen allele CA356361943.

ClinVar aggregate classification (germline): Uncertain significance (1 of 4 stars; one submission).

Submission:

CeGaT Center for Human Genetics Tuebingen
Classification: Uncertain significance. Last evaluated: 2022-08-01. Review status: criteria provided, single submitter. Criteria: CeGaT Center For Human Genetics Tuebingen Variant Classification Criteria Version 2. Collection method: clinical testing. Allele origin: germline. Affected: yes. Observed: 1 variant allele.
Comment: WDR1: PM2, BP4